The following is an entry in ClinVar:

ClinVar aggregate classification (germline): Uncertain significance (1 of 4 stars; one submission).

Submission:

Greenwood Genetic Center Diagnostic Laboratories, Greenwood Genetic Center
Classification: Uncertain significance. Last evaluated: 2025-02-04. Review status: criteria provided, single submitter. Criteria: ACMG Guidelines, 2015. Collection method: clinical testing. Allele origin: germline.
Comment: PM2

NM_006662.3(SRCAP):c.4196C>G (p.Ser1399Cys)

Gene: SRCAP (Snf2 related CREBBP activator protein; plus strand). Cytogenetic location: 16p11.2.
Variant type: single nucleotide variant.
Coding change: c.4196C>G on transcript NM_006662.3 (MANE Select); coding-DNA position 4196, C replaced by G.
Protein change: p.Ser1399Cys; replaces serine 1399 with cysteine.
Molecular consequence: missense variant.
Genome position (GRCh38, 1-based): chr16:30,723,620, C>G. VCF-style: chr16-30723620-C-G. GRCh37 (hg19) VCF-style: chr16-30734941-C-G.
Other names: short protein forms S1399C.
Identifiers: ClinVar variation 4851631 (VCV004851631.1).